The following is an entry in ClinVar:

ClinVar aggregate classification (germline): Pathogenic/Likely pathogenic. Review status: criteria provided, multiple submitters, no conflicts (2 of 4 stars). 3 submissions from 3 submitters: Pathogenic (2); Likely pathogenic (1). Last evaluated 2026-08-08.

Conditions:
Tyrosinase-positive oculocutaneous albinism (OCA2). Also called: Oculocutaneous albinism type 2; ALBINISM II; Albinism, oculocutaneous, type II. Identifiers: Orphanet 79432, MedGen C0268495, MONDO:0008746, OMIM 203200.
OCA2-related disorder. Also called: OCA2-related condition.

Submissions (3):

Myriad Genetics, Inc.
Classification: Pathogenic for Tyrosinase-positive oculocutaneous albinism. Last evaluated: 2026-08-08. Review status: criteria provided, single submitter. Criteria: Myriad Autosomal Dominant, Autosomal Recessive and X-Linked Classification Criteria (2023). Collection method: clinical testing. Allele origin: unknown.
Comment: NM_000275.2(OCA2):c.1611T>G(Y537*) is expected to be pathogenic in the context of oculocutaneous albinism, OCA2-related. This variant is predicted to lead to an abnormal or absent protein product due to the creation of a premature termination codon in OCA2, a gene where loss-of-function variants are known to be pathogenic. Please note: this variant was assessed in the context of healthy population screening.

Labcorp Genetics (formerly Invitae), Labcorp
Classification: Pathogenic. Last evaluated: 2023-12-26. Review status: criteria provided, single submitter. Criteria: Invitae Variant Classification Sherloc (09022015). Collection method: clinical testing. Allele origin: germline.
Comment: This sequence change creates a premature translational stop signal (p.Tyr537*) in the OCA2 gene. It is expected to result in an absent or disrupted protein product. Loss-of-function variants in OCA2 are known to be pathogenic (PMID: 19865097, 21541274). This variant is not present in population databases (gnomAD no frequency). This variant has not been reported in the literature in individuals affected with OCA2-related conditions. ClinVar contains an entry for this variant (Variation ID: 1442379). For these reasons, this variant has been classified as Pathogenic.

Blueprint Genetics
Classification: Likely pathogenic for OCA2-related disorders. Last evaluated: 2022-09-07. Review status: criteria provided, single submitter. Criteria: ACMG Guidelines, 2015. Collection method: clinical testing. Allele origin: germline. Affected: yes. Observed: 1 variant allele.

Literature cited by the submitters: PubMed 19865097 (cited by Labcorp Genetics (formerly Invitae), Labcorp); PubMed 21541274 (cited by Labcorp Genetics (formerly Invitae), Labcorp).

NM_000275.3(OCA2):c.1611T>G (p.Tyr537Ter)

Gene: OCA2 (OCA2 melanosomal transmembrane protein; minus strand). Cytogenetic location: 15q13.1.
Variant type: single nucleotide variant.
Coding change: c.1611T>G on transcript NM_000275.3 (MANE Select); coding-DNA position 1611, T replaced by G.
Protein change: p.Tyr537Ter; replaces tyrosine 537 with a stop codon.
Molecular consequence: nonsense.
Genome position (GRCh38, 1-based): chr15:27,966,715, A>C on the plus strand (T>G on the coding strand, the complement: OCA2 is on the minus strand). VCF-style: chr15-27966715-A-C. GRCh37 (hg19) VCF-style: chr15-28211861-A-C.
Other names: c.1539T>G, p.Tyr513Ter (NM_001300984.2); short protein forms Y537*, Y513*.
Identifiers: ClinVar variation 1442379 (VCV001442379.8), dbSNP rs2140824287, ClinGen allele CA391357003.
Genomic context (GRCh38, chr15:27,966,715, plus strand): 5'-AATCTGAGCCTACATGAGGTTGCACTTGTACTCACCAACAATCTCACTGGGTTCCTTGTT[A>C]TAAAGCTTTCTGTTCCAGTAAAGGAGTCTGAGGAGCGGAAAGCAGACCAGGAGAACAAGG-3'